The following is an entry in ClinVar:

NM_000091.5(COL4A3):c.1820del (p.Pro607fs)

Genes: COL4A3 (collagen type IV alpha 3 chain; plus strand), MFF-DT (MFF divergent transcript; minus strand). Cytogenetic location: 2q36.3.
Variant type: Deletion.
Coding change: c.1820del on transcript NM_000091.5 (MANE Select); coding-DNA position 1820, one base deleted (C; older notation c.1820delC).
Protein change: p.Pro607fs; shifts the reading frame from proline 607.
Molecular consequence: frameshift variant.
Genome position (GRCh38, 1-based): chr2:227,273,010, C deleted; the last of 4 consecutive C bases (chr2:227,273,007-227,273,010); deleting any one gives the same sequence. VCF-style (leftmost placement, unchanged base first): chr2-227273006-TC-T. GRCh37 (hg19) VCF-style: chr2-228137722-TC-T.
Other names: short protein forms P607fs.
Identifiers: ClinVar variation 3586030 (VCV003586030.3).

ClinVar aggregate classification (germline): Pathogenic/Likely pathogenic. Review status: criteria provided, multiple submitters, no conflicts (2 of 4 stars). 2 submissions from 2 submitters: Pathogenic (1); Likely pathogenic (1). Last evaluated 2024-05-08.

Conditions:
Autosomal dominant Alport syndrome (ATS3A). Also called: Alport syndrome dominant type; Renal failure and sensorineural hearing loss; ALPORT SYNDROME 3A, AUTOSOMAL DOMINANT. Identifiers: Orphanet 63, Orphanet 88918, MedGen C5882663, MONDO:0007086, OMIM 104200.
Hematuria, benign familial, 2 (BFH2). Identifiers: MedGen C5830421, MONDO:0958186, OMIM 620320.
Alport syndrome 3b, autosomal recessive. Identifiers: MedGen C5882699, MONDO:0957811, OMIM 620536.

Submissions (2):

Labcorp Genetics (formerly Invitae), Labcorp
Classification: Pathogenic. Last evaluated: 2024-05-08. Review status: criteria provided, single submitter. Criteria: Invitae Variant Classification Sherloc (09022015). Collection method: clinical testing. Allele origin: germline.
Comment: This sequence change creates a premature translational stop signal (p.Pro607Glnfs*140) in the COL4A3 gene. It is expected to result in an absent or disrupted protein product. Loss-of-function variants in COL4A3 are known to be pathogenic (PMID: 8956999, 24854265, 26809805, 27281700). This variant is not present in population databases (gnomAD no frequency). This variant has not been reported in the literature in individuals affected with COL4A3-related conditions. For these reasons, this variant has been classified as Pathogenic.

Fulgent Genetics
Classification: Likely pathogenic for Autosomal dominant Alport syndrome; Hematuria, benign familial, 2; Alport syndrome 3b, autosomal recessive. Last evaluated: 2024-02-17. Review status: criteria provided, single submitter. Criteria: ACMG Guidelines, 2015. Collection method: clinical testing. Allele origin: germline.

Literature cited by the submitters: PubMed 8956999 (cited by Labcorp Genetics (formerly Invitae), Labcorp); PubMed 24854265 (cited by Labcorp Genetics (formerly Invitae), Labcorp); PubMed 26809805 (cited by Labcorp Genetics (formerly Invitae), Labcorp); PubMed 27281700 (cited by Labcorp Genetics (formerly Invitae), Labcorp).